The following is an entry in ClinVar:

ClinVar aggregate classification (germline): Uncertain significance. Review status: criteria provided, multiple submitters, no conflicts (2 of 4 stars). 2 submissions from 2 submitters: Uncertain significance (2). Last evaluated 2024-09-04.

Conditions:
Inborn genetic diseases. Identifiers: MedGen C0950123, MeSH D030342.

gnomAD v4.1: 7 of 1,614,206 alleles (0.00043%); highest among the groups gnomAD compares: East Asian, 0.0045%; no homozygotes.

Submissions (2):

Ambry Genetics
Classification: Uncertain significance for Inborn genetic diseases. Last evaluated: 2024-09-04. Review status: criteria provided, single submitter. Criteria: Ambry Variant Classification Scheme 2023. Collection method: clinical testing. Allele origin: germline.

Labcorp Genetics (formerly Invitae), Labcorp
Classification: Uncertain significance. Last evaluated: 2024-07-16. Review status: criteria provided, single submitter. Criteria: Invitae Variant Classification Sherloc (09022015). Collection method: clinical testing. Allele origin: germline.
Comment: This sequence change replaces proline, which is neutral and non-polar, with alanine, which is neutral and non-polar, at codon 35 of the NRL protein (p.Pro35Ala). This variant is present in population databases (rs374903210, gnomAD 0.006%). This variant has not been reported in the literature in individuals affected with NRL-related conditions. An algorithm developed to predict the effect of missense changes on protein structure and function outputs the following: PolyPhen-2: "Benign". The alanine amino acid residue is found in multiple mammalian species, which suggests that this missense change does not adversely affect protein function. In summary, the available evidence is currently insufficient to determine the role of this variant in disease. Therefore, it has been classified as a Variant of Uncertain Significance.

NM_001354768.3(NRL):c.103C>G (p.Pro35Ala)

Gene: NRL (neural retina leucine zipper; minus strand). Cytogenetic location: 14q11.2.
Variant type: single nucleotide variant.
Coding change: c.103C>G on transcript NM_001354768.3 (MANE Select); coding-DNA position 103, C replaced by G.
Protein change: p.Pro35Ala; replaces proline 35 with alanine.
Molecular consequence: missense variant. On other transcripts: intron variant (1).
Genome position (GRCh38, 1-based): chr14:24,082,746, G>C on the plus strand (C>G on the coding strand, the complement: NRL is on the minus strand). VCF-style: chr14-24082746-G-C. GRCh37 (hg19) VCF-style: chr14-24551955-G-C.
Other names: c.103C>G, p.Pro35Ala (NM_001354769.1, NM_006177.5); c.66+37C>G (NM_001354770.2); short protein forms P35A.
Identifiers: ClinVar variation 3407859 (VCV003407859.3).